The following is an entry in ClinVar:

NM_198859.4(PRICKLE2):c.1747G>A (p.Val583Met)

Genes: PRICKLE2 (prickle planar cell polarity protein 2; minus strand), PRICKLE2-AS1 (PRICKLE2 antisense RNA 1; plus strand). Cytogenetic location: 3p14.1.
Variant type: single nucleotide variant.
Coding change: c.1747G>A on transcript NM_198859.4 (MANE Select); coding-DNA position 1747, G replaced by A.
Protein change: p.Val583Met; replaces valine 583 with methionine.
Molecular consequence: missense variant. On other transcripts: non-coding transcript variant (1).
Genome position (GRCh38, 1-based): chr3:64,099,839, C>T on the plus strand (G>A on the coding strand, the complement: PRICKLE2 is on the minus strand). VCF-style: chr3-64099839-C-T. GRCh37 (hg19) VCF-style: chr3-64085515-C-T.
Other names: c.1747G>A, p.Val583Met (NM_001370528.1); short protein forms V583M.
Identifiers: ClinVar variation 1718461 (VCV001718461.6), dbSNP rs752217754, ClinGen allele CA2479553.

ClinVar aggregate classification (germline): Uncertain significance (1 of 4 stars; one submission).

Conditions:
Progressive myoclonic epilepsy type 5. Identifiers: Orphanet 402082, MedGen C5190799.

Allele frequency attached by ClinVar (database versions not stated): gnomAD exomes below 0.00001; ExAC 0.00001.
gnomAD v4.1: 2 of 1,614,212 alleles (0.00012%); highest among the groups gnomAD compares: East Asian, 0.0045%; no homozygotes.

Submission:

Labcorp Genetics (formerly Invitae), Labcorp
Classification: Uncertain significance for Progressive myoclonic epilepsy type 5. Last evaluated: 2022-08-31. Review status: criteria provided, single submitter. Criteria: Invitae Variant Classification Sherloc (09022015). Collection method: clinical testing. Allele origin: germline.
Comment: This variant is present in population databases (rs752217754, gnomAD 0.006%). This sequence change replaces valine, which is neutral and non-polar, with methionine, which is neutral and non-polar, at codon 583 of the PRICKLE2 protein (p.Val583Met). This variant has not been reported in the literature in individuals affected with PRICKLE2-related conditions. Algorithms developed to predict the effect of missense changes on protein structure and function are either unavailable or do not agree on the potential impact of this missense change (SIFT: "Deleterious"; PolyPhen-2: "Probably Damaging"; Align-GVGD: "Class C15"). In summary, the available evidence is currently insufficient to determine the role of this variant in disease. Therefore, it has been classified as a Variant of Uncertain Significance.